The following is an entry in ClinVar:

ClinVar aggregate classification (germline): Uncertain significance (1 of 4 stars; one submission).

Conditions:
Ataxia-telangiectasia syndrome (AT). Also called: Cerebello-oculocutaneous telangiectasia; ATAXIA-TELANGIECTASIA, COMPLEMENTATION GROUP A; ATAXIA-TELANGIECTASIA, FRESNO VARIANT; Ataxia-telangiectasia, complementation group D; AT, COMPLEMENTATION GROUP C; Immunodeficiency with ataxia telangiectasia. Identifiers: Orphanet 100, MedGen C0004135, MONDO:0008840, OMIM 208900.

Submission:

Labcorp Genetics (formerly Invitae), Labcorp
Classification: Uncertain significance for Ataxia-telangiectasia syndrome. Last evaluated: 2023-06-06. Review status: criteria provided, single submitter. Criteria: Invitae Variant Classification Sherloc (09022015). Collection method: clinical testing. Allele origin: germline.
Comment: This variant is not present in population databases (gnomAD no frequency). This sequence change replaces glutamic acid, which is acidic and polar, with aspartic acid, which is acidic and polar, at codon 1346 of the ATM protein (p.Glu1346Asp). This variant has not been reported in the literature in individuals affected with ATM-related conditions. ClinVar contains an entry for this variant (Variation ID: 1714970). An algorithm developed to predict the effect of missense changes on protein structure and function (PolyPhen-2) suggests that this variant is likely to be disruptive. In summary, the available evidence is currently insufficient to determine the role of this variant in disease. Therefore, it has been classified as a Variant of Uncertain Significance.

NM_000051.4(ATM):c.4038G>T (p.Glu1346Asp)

Gene: ATM (ATM serine/threonine kinase; plus strand). Cytogenetic location: 11q22.3.
Variant type: single nucleotide variant.
Coding change: c.4038G>T on transcript NM_000051.4 (MANE Select); coding-DNA position 4038, G replaced by T.
Protein change: p.Glu1346Asp; replaces glutamic acid 1346 with aspartic acid.
Molecular consequence: missense variant.
Genome position (GRCh38, 1-based): chr11:108,287,644, G>T. VCF-style: chr11-108287644-G-T. GRCh37 (hg19) VCF-style: chr11-108158371-G-T.
Other names: c.4038G>T, p.Glu1346Asp (NM_001351834.2); short protein forms E1346D.
Identifiers: ClinVar variation 1714970 (VCV001714970.5), dbSNP rs1591655790, ClinGen allele CA382527753.